The following is an entry in ClinVar:

NM_005591.4(MRE11):c.1032T>G (p.Leu344=)

Gene: MRE11 (MRE11 double strand break repair nuclease; minus strand). Cytogenetic location: 11q21.
Variant type: single nucleotide variant.
Coding change: c.1032T>G on transcript NM_005591.4 (MANE Select); coding-DNA position 1032, T replaced by G.
Protein change: p.Leu344=; no amino-acid change (leucine 344 retained).
Molecular consequence: synonymous variant.
Genome position (GRCh38, 1-based): chr11:94,467,879, A>C on the plus strand (T>G on the coding strand, the complement: MRE11 is on the minus strand). VCF-style: chr11-94467879-A-C. GRCh37 (hg19) VCF-style: chr11-94201045-A-C.
Other names: p.L344L:CTT>CTG; NP_005582.1:p.Leu344=; p.Leu344=; c.1032T>G, p.Leu344= (NM_001330347.2, NM_005590.4).
Identifiers: ClinVar variation 140846 (VCV000140846.38), dbSNP rs11020793, ClinGen allele CA333159.

ClinVar aggregate classification (germline): Benign. Review status: criteria provided, multiple submitters, no conflicts (2 of 4 stars). 15 submissions from 15 submitters: Benign (11). 4 of the submissions do not count toward it. Last evaluated 2026-06-01.

Conditions:
MRE11-related disorder. Also called: MRE11-related condition.
Ataxia-telangiectasia-like disorder (ATLD). Identifiers: MedGen C1858391, MONDO:0011457.
Hereditary cancer-predisposing syndrome. Also called: Tumor predisposition; Hereditary neoplastic syndrome; Hereditary Cancer Syndrome; Neoplastic Syndromes, Hereditary. Identifiers: Orphanet 140162, MedGen C0027672, MeSH D009386, MONDO:0015356.
Hereditary breast ovarian cancer syndrome. Also called: Hereditary breast and ovarian cancer; Hereditary breast and/or ovarian cancer syndrome; BRCA1- and BRCA2-Associated Hereditary Breast and Ovarian Cancer; Hereditary breast and ovarian cancer syndrome (HBOC); Hereditary breast and ovarian cancer syndrome; Breast and ovarian cancer. Identifiers: Orphanet 145, MedGen C0677776, MeSH D061325, MONDO:0003582. Disease mechanism: loss of function.
Ataxia-telangiectasia-like disorder 1 (ATLD1). Identifiers: Orphanet 251347, MedGen C4012790, MONDO:0024557, OMIM 604391.

Allele frequency attached by ClinVar (database versions not stated): gnomAD exomes 0.00080 and 0.00213; ExAC 0.00265; 1000 Genomes Project 0.00819; 1000 Genomes Project 30x 0.00843; gnomAD 0.00891 and 0.00960; ESP Exome Variant Server 0.00985; TOPMed 0.00989.
gnomAD v4.1: 2,555 of 1,613,618 alleles (0.16%); highest among the groups gnomAD compares: African/African-American, 3%; 27 homozygotes.

Submissions (15):

CeGaT Center for Human Genetics Tuebingen
Classification: Benign. Last evaluated: 2026-06-01. Review status: criteria provided, single submitter. Criteria: CeGaT Center For Human Genetics Tuebingen Variant Classification Criteria Version 2. Collection method: clinical testing. Allele origin: germline. Affected: yes. Observed: 1 variant allele.
Comment: MRE11: BP4, BP7, BS1, BS2

Labcorp Genetics (formerly Invitae), Labcorp
Classification: Benign for Ataxia-telangiectasia-like disorder. Last evaluated: 2026-01-31. Review status: criteria provided, single submitter. Criteria: Invitae Variant Classification Sherloc (09022015). Collection method: clinical testing. Allele origin: germline.

Mayo Clinic Laboratories, Mayo Clinic
Classification: Benign. Last evaluated: 2025-01-13. Review status: criteria provided, single submitter. Criteria: ACMG Guidelines, 2015. Collection method: clinical testing. Allele origin: germline. Observed: 1 variant allele.
Comment: BS1, BS2, BP4, BP7

Athena Diagnostics
Classification: Benign. Last evaluated: 2024-04-15. Review status: criteria provided, single submitter. Criteria: Athena Diagnostics Criteria. Collection method: clinical testing. Allele origin: unknown.

KCCC/NGS Laboratory, Kuwait Cancer Control Center
Classification: Benign for Ataxia-telangiectasia-like disorder 1. Last evaluated: 2023-07-07. Review status: criteria provided, single submitter. Criteria: ACMG Guidelines, 2015. Collection method: clinical testing. Allele origin: germline. Affected: yes.

ARUP Laboratories, Molecular Genetics and Genomics, ARUP Laboratories
Classification: Benign for Ataxia-telangiectasia-like disorder 1. Last evaluated: 2022-10-21. Review status: criteria provided, single submitter. Criteria: ARUP Molecular Germline Variant Investigation Process 2021. Collection method: clinical testing. Allele origin: germline.

National Health Laboratory Service, Universitas Academic Hospital and University of the Free State
Classification: Benign for Hereditary breast ovarian cancer syndrome. Last evaluated: 2022-04-19. Review status: criteria provided, single submitter. Criteria: ACMG Guidelines, 2015. Collection method: clinical testing. Allele origin: germline. Affected: yes. Observed: 9 variant alleles.

Quest Diagnostics Nichols Institute San Juan Capistrano
Classification: Benign. Last evaluated: 2021-04-02. Review status: criteria provided, single submitter. Criteria: Quest Diagnostics criteria. Collection method: clinical testing. Allele origin: unknown.

Women's Health and Genetics/Laboratory Corporation of America, LabCorp
Classification: Benign. Last evaluated: 2017-07-06. Review status: criteria provided, single submitter. Criteria: LabCorp Variant Classification Summary - May 2015. Collection method: clinical testing. Allele origin: germline.
Comment: Variant summary: The MRE11A c.1032T>G (p.Leu344Leu) variant involves the alteration of a conserved nucleotide, resulting in a synonymous change located in the Mre11, DNA-binding (IPR007281) (InterPro). One in silico tool predicts a damaging outcome for this variant. 5/5 splice prediction tools predict no significant impact on normal splicing. However, these predictions have yet to be confirmed by functional studies. The variant of interest has been found in a large, broad control population, ExAC in 321/121170 control chromosomes (9 homozygotes) at a frequency of 0.0026492, which is approximately 42 times the estimated maximal expected allele frequency of a pathogenic MRE11A variant (0.0000625), suggesting this variant is likely a benign polymorphism. In addition, multiple clinical diagnostic laboratories/reputable databases classified this variant as benign. The variant of interest has not, to our knowledge, been reported in affected individuals via publications and/or reputable databases/clinical diagnostic laboratories; nor evaluated for functional impact by in vivo/vitro studies. Taken together, this variant is classified as benign.

Ambry Genetics
Classification: Benign for Hereditary cancer-predisposing syndrome. Last evaluated: 2014-12-17. Review status: criteria provided, single submitter. Criteria: Ambry Variant Classification Scheme 2023. Collection method: clinical testing. Allele origin: germline.

GeneDx
Classification: Benign. Last evaluated: 2014-01-09. Review status: criteria provided, single submitter. Criteria: GeneDx Variant Classification (06012015). Collection method: clinical testing. Allele origin: germline. Affected: yes.
Comment: This variant is considered likely benign or benign based on one or more of the following criteria: it is a conservative change, it occurs at a poorly conserved position in the protein, it is predicted to be benign by multiple in silico algorithms, and/or has population frequency not consistent with disease.

PreventionGenetics, part of Exact Sciences
Classification: Benign for MRE11-related condition. Last evaluated: 2019-06-27. Review status: no assertion criteria provided. Collection method: clinical testing. Allele origin: germline. Not counted in ClinVar's aggregate classification.
Comment: This variant is classified as benign based on ACMG/AMP sequence variant interpretation guidelines (Richards et al. 2015 PMID: 25741868, with internal and published modifications).

Counsyl
Classification: Benign for Ataxia-telangiectasia-like disorder 1. Last evaluated: 2016-07-12. Review status: no assertion criteria provided. Collection method: clinical testing. Allele origin: unknown. Not counted in ClinVar's aggregate classification.

Clinical Genetics DNA and cytogenetics Diagnostics Lab, Erasmus MC, Erasmus Medical Center
Classification: Benign. Review status: no assertion criteria provided. Collection method: clinical testing. Allele origin: germline. Affected: yes. Study: VKGL Data-share Consensus. Not counted in ClinVar's aggregate classification.

Genome Diagnostics Laboratory, Amsterdam University Medical Center
Classification: Benign. Review status: no assertion criteria provided. Collection method: clinical testing. Allele origin: germline. Affected: yes. Study: VKGL Data-share Consensus. Not counted in ClinVar's aggregate classification.